The following is an entry in ClinVar:

ClinVar aggregate classification (germline): Likely benign. Review status: criteria provided, single submitter (1 of 4 stars). 2 submissions from 2 submitters: Likely benign (1). 1 of the submissions does not count toward it. Last evaluated 2025-02-04.

Conditions:
COQ6-related disorder. Also called: COQ6-related condition.

Allele frequency attached by ClinVar (database versions not stated): ExAC 0.00002; TOPMed 0.00005; gnomAD exomes 0.00001; gnomAD 0.00004.
gnomAD v4.1: 20 of 1,614,150 alleles (0.0012%); highest among the groups gnomAD compares: East Asian, 0.042%; no homozygotes.

Submissions (2):

Labcorp Genetics (formerly Invitae), Labcorp
Classification: Likely benign. Last evaluated: 2025-02-04. Review status: criteria provided, single submitter. Criteria: Invitae Variant Classification Sherloc (09022015). Collection method: clinical testing. Allele origin: germline.

PreventionGenetics, part of Exact Sciences
Classification: Likely benign for COQ6-related condition. Last evaluated: 2023-02-22. Review status: no assertion criteria provided. Collection method: clinical testing. Allele origin: germline. Not counted in ClinVar's aggregate classification.
Comment: This variant is classified as likely benign based on ACMG/AMP sequence variant interpretation guidelines (Richards et al. 2015 PMID: 25741868, with internal and published modifications).

NM_182476.3(COQ6):c.1251G>A (p.Gln417=)

Genes: COQ6 (coenzyme Q6, monooxygenase; plus strand), ENTPD5 (ectonucleoside triphosphate diphosphohydrolase 5; minus strand). Cytogenetic location: 14q24.3.
Variant type: single nucleotide variant.
Coding change: c.1251G>A on transcript NM_182476.3 (MANE Select); coding-DNA position 1251, G replaced by A.
Protein change: p.Gln417=; no amino-acid change (glutamine 417 retained).
Molecular consequence: synonymous variant. On other transcripts: intron variant (7).
Genome position (GRCh38, 1-based): chr14:73,961,777, G>A. VCF-style: chr14-73961777-G-A. GRCh37 (hg19) VCF-style: chr14-74428480-G-A.
Other names: c.711G>A, p.Gln237= (NM_001425264.1, NM_001425265.1); c.1176G>A, p.Gln392= (NM_182480.3); c.1210+207G>A (NM_001425255.1); c.1201-6190C>T (NM_001382258.1); c.1201-5949C>T (NM_001382262.1); c.1201-2224C>T (NM_001382260.1, NM_001382259.1, NM_001330189.2); c.1201-227C>T (NM_001321984.2); c.1143G>A, p.Gln381= (NM_001425256.1); and 5 more.
Identifiers: ClinVar variation 2886039 (VCV002886039.5), dbSNP rs368151590, ClinGen allele CA7264488.